The following is an entry in ClinVar:

NM_000059.4(BRCA2):c.1238T>G (p.Leu413Arg)

Gene: BRCA2 (BRCA2 DNA repair associated; plus strand). Cytogenetic location: 13q13.1.
Variant type: single nucleotide variant.
Coding change: c.1238T>G on transcript NM_000059.4 (MANE Select); coding-DNA position 1238, T replaced by G.
Protein change: p.Leu413Arg; replaces leucine 413 with arginine.
Molecular consequence: missense variant. On other transcripts: non-coding transcript variant (1), intron variant (1).
Genome position (GRCh38, 1-based): chr13:32,332,716, T>G. VCF-style: chr13-32332716-T-G. GRCh37 (hg19) VCF-style: chr13-32906853-T-G.
Other names: c.1238T>G, p.Leu413Arg (NM_001406719.1, NM_001406720.1, NM_001406721.1); c.424+1686T>G (NM_001406722.1); short protein forms L413R.
Identifiers: ClinVar variation 2566053 (VCV002566053.2), dbSNP rs2072407340, ClinGen allele CA387762219.
Genomic context (GRCh38, chr13:32,332,716, plus strand): 5'-GTGAATGGTCTCAACTAACCCTTTCAGGTCTAAATGGAGCCCAGATGGAGAAAATACCCC[T>G]ATTGCATATTTCTTCATGTGACCAAAATATTTCAGAAAAAGACCTATTAGACACAGAGAA-3'
Protein context (NP_000050.3, residues 403-423): LNGAQMEKIP[Leu413Arg]LHISSCDQNI

ClinVar aggregate classification (germline): Uncertain significance (1 of 4 stars; one submission).

Conditions:
Hereditary cancer-predisposing syndrome. Also called: Neoplastic Syndromes, Hereditary; Hereditary Cancer Syndrome; Hereditary neoplastic syndrome; Tumor predisposition. Identifiers: Orphanet 140162, MedGen C0027672, MeSH D009386, MONDO:0015356.

Submission:

Ambry Genetics
Classification: Uncertain significance for Hereditary cancer-predisposing syndrome. Last evaluated: 2023-05-28. Review status: criteria provided, single submitter. Criteria: Ambry Variant Classification Scheme 2023. Collection method: clinical testing. Allele origin: germline.
Comment: The p.L413R variant (also known as c.1238T>G), located in coding exon 9 of the BRCA2 gene, results from a T to G substitution at nucleotide position 1238. The leucine at codon 413 is replaced by arginine, an amino acid with dissimilar properties. This amino acid position is conserved. In addition, this alteration is predicted to be tolerated by in silico analysis. Since supporting evidence is limited at this time, the clinical significance of this alteration remains unclear.